The following is an entry in ClinVar:

NM_000719.7(CACNA1C):c.2995G>A (p.Val999Ile)

Gene: CACNA1C (calcium voltage-gated channel subunit alpha1 C; plus strand). Cytogenetic location: 12p13.33.
Variant type: single nucleotide variant.
Coding change: c.2995G>A on transcript NM_000719.7 (MANE Select); coding-DNA position 2995, G replaced by A.
Protein change: p.Val999Ile; replaces valine 999 with isoleucine.
Molecular consequence: missense variant.
Genome position (GRCh38, 1-based): chr12:2,605,115, G>A. VCF-style: chr12-2605115-G-A. GRCh37 (hg19) VCF-style: chr12-2714281-G-A.
Other names: c.3055G>A, p.Val1019Ile (NM_001129827.2, NM_001129832.2, NM_199460.4); c.2995G>A, p.Val999Ile (NM_001129829.2, NM_001129830.3, NM_001129831.2 and 15 more transcripts); c.2986G>A, p.Val996Ile (NM_001129844.2); short protein forms V996I, V999I, V1019I.
Identifiers: ClinVar variation 3687321 (VCV003687321.2).

ClinVar aggregate classification (germline): Uncertain significance (1 of 4 stars; one submission).

Conditions:
Long QT syndrome (LQTS). Identifiers: MedGen C0023976, MeSH D008133, MONDO:0002442. Disease mechanism: loss of function. Inheritance: Various modes of inheritance.

Submission:

Labcorp Genetics (formerly Invitae), Labcorp
Classification: Uncertain significance for Long QT syndrome. Last evaluated: 2025-06-01. Review status: criteria provided, single submitter. Criteria: Invitae Variant Classification Sherloc (09022015). Collection method: clinical testing. Allele origin: germline.
Comment: This sequence change replaces valine, which is neutral and non-polar, with isoleucine, which is neutral and non-polar, at codon 999 of the CACNA1C protein (p.Val999Ile). This variant is not present in population databases (gnomAD no frequency). This variant has not been reported in the literature in individuals affected with CACNA1C-related conditions. ClinVar contains an entry for this variant (Variation ID: 3687321). Invitae Evidence Modeling of protein sequence and biophysical properties (such as structural, functional, and spatial information, amino acid conservation, physicochemical variation, residue mobility, and thermodynamic stability) indicates that this missense variant is expected to disrupt CACNA1C protein function with a positive predictive value of 95%. In summary, the available evidence is currently insufficient to determine the role of this variant in disease. Therefore, it has been classified as a Variant of Uncertain Significance.